The following is an entry in ClinVar:

ClinVar aggregate classification (germline): Benign/Likely benign. Review status: criteria provided, multiple submitters, no conflicts (2 of 4 stars). 8 submissions from 8 submitters: Benign (7); Likely benign (1). Last evaluated 2026-02-03.

Conditions:
Heterotopia, periventricular, X-linked dominant (PVNH1). Also called: PERIVENTRICULAR NODULAR HETEROTOPIA 4; HETEROTOPIA, PERIVENTRICULAR, 1; PERIVENTRICULAR NODULAR HETEROTOPIA 1; X-linked periventricular heterotopia. Identifiers: Orphanet 2149, Orphanet 82004, MedGen C1848213, MONDO:0010233, OMIM 300049.
Melnick-Needles syndrome (MNS). Also called: MELNICK-NEEDLES OSTEODYSPLASTY; OSTEODYSPLASTY OF MELNICK AND NEEDLES; Melnick-Needles Syndrome (FLNA-MNS). Identifiers: Orphanet 2484, MedGen C0025237, MONDO:0010650, OMIM 309350.
Frontometaphyseal dysplasia (FMD1). Identifiers: Orphanet 1826, MedGen C0265293, MONDO:0015942.
Oto-palato-digital syndrome, type II (OPD2). Also called: Otopalatodigital Syndrome, Type II; OPD II SYNDROME; FACIOPALATOOSSEOUS SYNDROME; Otopalatodigital Syndrome Type 2 (FLNA-OPD2). Identifiers: Orphanet 669, Orphanet 90652, MedGen C1844696, MONDO:0010571, OMIM 304120.

Allele frequency attached by ClinVar (database versions not stated): TOPMed 0.01277; ESP Exome Variant Server 0.01533; gnomAD exomes 0.00125 and 0.00337; ExAC 0.00393; gnomAD 0.01252; 1000 Genomes Project 30x 0.01332; 1000 Genomes Project 0.01166.
gnomAD v4.1: 2,753 of 1,209,677 alleles (0.23%); highest among the groups gnomAD compares: African/African-American, 4.1%; 48 homozygotes.

Submissions (8):

Labcorp Genetics (formerly Invitae), Labcorp
Classification: Benign for Oto-palato-digital syndrome, type II; Heterotopia, periventricular, X-linked dominant; Frontometaphyseal dysplasia; Melnick-Needles syndrome. Last evaluated: 2026-02-03. Review status: criteria provided, single submitter. Criteria: Invitae Variant Classification Sherloc (09022015). Collection method: clinical testing. Allele origin: germline.

Molecular Diagnostic Laboratory for Inherited Cardiovascular Disease, Montreal Heart Institute
Classification: Likely benign. Last evaluated: 2025-07-24. Review status: criteria provided, single submitter. Criteria: ACMG Guidelines, 2015. Collection method: clinical testing. Allele origin: germline. Affected: no.
Comment: BS1

ARUP Laboratories, Molecular Genetics and Genomics, ARUP Laboratories
Classification: Benign. Last evaluated: 2024-10-28. Review status: criteria provided, single submitter. Criteria: ARUP Molecular Germline Variant Investigation Process 2024. Collection method: clinical testing. Allele origin: germline.

Mayo Clinic Laboratories, Mayo Clinic
Classification: Benign. Last evaluated: 2023-09-27. Review status: criteria provided, single submitter. Criteria: ACMG Guidelines, 2015. Collection method: clinical testing. Allele origin: germline. Observed: 27 variant alleles.
Comment: BA1, BS1, BP4, BP7

Women's Health and Genetics/Laboratory Corporation of America, LabCorp
Classification: Benign. Last evaluated: 2023-07-21. Review status: criteria provided, single submitter. Criteria: LabCorp Variant Classification Summary - May 2015. Collection method: clinical testing. Allele origin: germline.

GeneDx
Classification: Benign. Last evaluated: 2014-06-26. Review status: criteria provided, single submitter. Criteria: GeneDx Variant Classification (06012015). Collection method: clinical testing. Allele origin: germline. Affected: yes.
Comment: This variant is considered likely benign or benign based on one or more of the following criteria: it is a conservative change, it occurs at a poorly conserved position in the protein, it is predicted to be benign by multiple in silico algorithms, and/or has population frequency not consistent with disease.

Eurofins Ntd Llc (ga)
Classification: Benign. Last evaluated: 2014-06-05. Review status: criteria provided, single submitter. Criteria: EGL Classification Definitions 2015. Collection method: clinical testing. Allele origin: germline. Observed: 1 variant allele, 1 heterozygote.

Genetic Services Laboratory, University of Chicago
Classification: Benign for AllHighlyPenetrant. Last evaluated: 2013-06-04. Review status: criteria provided, single submitter. Criteria: ACMG Guidelines, 2007. Collection method: clinical testing. Allele origin: germline. Inheritance: X-linked inheritance.

NM_001110556.2(FLNA):c.4598+8G>C

Gene: FLNA (filamin A; minus strand). Cytogenetic location: Xq28.
Variant type: single nucleotide variant.
Coding change: c.4598+8G>C on transcript NM_001110556.2 (MANE Select); 8 bases into the intron after coding-DNA position 4598, G replaced by C.
Molecular consequence: intron variant.
Genome position (GRCh38, 1-based): chrX:154,358,437, C>G on the plus strand (G>C on the coding strand, the complement: FLNA is on the minus strand). VCF-style: chrX-154358437-C-G. GRCh37 (hg19) VCF-style: chrX-153586805-C-G.
Other names: p.?; c.4598+8G>C (NM_001456.4).
Identifiers: ClinVar variation 129074 (VCV000129074.35), dbSNP rs112379782, ClinGen allele CA288867.